The following is an entry in ClinVar:

NM_015178.3(RHOBTB2):c.2074C>A (p.His692Asn)

Gene: RHOBTB2 (Rho related BTB domain containing 2; plus strand). Cytogenetic location: 8p21.3.
Variant type: single nucleotide variant.
Coding change: c.2074C>A on transcript NM_015178.3 (MANE Select); coding-DNA position 2074, C replaced by A.
Protein change: p.His692Asn; replaces histidine 692 with asparagine.
Molecular consequence: missense variant.
Genome position (GRCh38, 1-based): chr8:23,017,359, C>A. VCF-style: chr8-23017359-C-A. GRCh37 (hg19) VCF-style: chr8-22874872-C-A.
Other names: c.2140C>A, p.His714Asn (NM_001160036.2); c.2095C>A, p.His699Asn (NM_001160037.2); c.2074C>A, p.His692Asn (NM_001374791.1); c.2140C>A (NM_001160036.1); short protein forms H692N, H699N, H714N.
Identifiers: ClinVar variation 1366502 (VCV001366502.7), dbSNP rs779311149, ClinGen allele CA4672854.
Genomic context (GRCh38, chr8:23,017,359, plus strand): 5'-CTGAAGGAGGAAGATCATTACCAGCGGGCACGGAAGGAGCGTGAGAAGGAGGACTACCTC[C>A]ACCTCAAGCGGCAGCCCAAACGGCGTTGGCTCTTCTGGAACAGTCCATCCTCCCCGTCTT-3'
Protein context (NP_055993.2, residues 682-702): RKEREKEDYL[His692Asn]LKRQPKRRWL

ClinVar aggregate classification (germline): Conflicting classifications of pathogenicity. Review status: criteria provided, conflicting classifications (1 of 4 stars). 2 submissions from 2 submitters: Uncertain significance (1); Likely benign (1). Last evaluated 2025-09-10.

Conditions:
Inborn genetic diseases. Identifiers: MedGen C0950123, MeSH D030342.

Allele frequency attached by ClinVar (database versions not stated): ExAC 0.00001; gnomAD exomes 0.00002 and 0.00004; gnomAD 0.00003; TOPMed 0.00003.
gnomAD v4.1: 69 of 1,614,094 alleles (0.0043%); highest among the groups gnomAD compares: Non-Finnish European, 0.0055%; no homozygotes.

Submissions (2):

Labcorp Genetics (formerly Invitae), Labcorp
Classification: Uncertain significance. Last evaluated: 2025-09-10. Review status: criteria provided, single submitter. Criteria: Invitae Variant Classification Sherloc (09022015). Collection method: clinical testing. Allele origin: germline.
Comment: This sequence change replaces histidine, which is basic and polar, with asparagine, which is neutral and polar, at codon 714 of the RHOBTB2 protein (p.His714Asn). This variant is present in population databases (rs779311149, gnomAD 0.004%). This variant has not been reported in the literature in individuals affected with RHOBTB2-related conditions. ClinVar contains an entry for this variant (Variation ID: 1366502). Invitae Evidence Modeling of protein sequence and biophysical properties (such as structural, functional, and spatial information, amino acid conservation, physicochemical variation, residue mobility, and thermodynamic stability) indicates that this missense variant is not expected to disrupt RHOBTB2 protein function with a negative predictive value of 80%. In summary, the available evidence is currently insufficient to determine the role of this variant in disease. Therefore, it has been classified as a Variant of Uncertain Significance.

Ambry Genetics
Classification: Likely benign for Inborn genetic diseases. Last evaluated: 2025-01-26. Review status: criteria provided, single submitter. Criteria: Ambry Variant Classification Scheme 2023. Collection method: clinical testing. Allele origin: germline.